The following is an entry in ClinVar:

NM_000384.3(APOB):c.12412A>G (p.Thr4138Ala)

Gene: APOB (apolipoprotein B; minus strand). Cytogenetic location: 2p24.1.
Variant type: single nucleotide variant.
Coding change: c.12412A>G on transcript NM_000384.3 (MANE Select); coding-DNA position 12412, A replaced by G.
Protein change: p.Thr4138Ala; replaces threonine 4138 with alanine.
Molecular consequence: missense variant.
Genome position (GRCh38, 1-based): chr2:21,003,010, T>C on the plus strand (A>G on the coding strand, the complement: APOB is on the minus strand). VCF-style: chr2-21003010-T-C. GRCh37 (hg19) VCF-style: chr2-21225882-T-C.
Other names: short protein forms T4138A.
Identifiers: ClinVar variation 2681862 (VCV002681862.1), dbSNP rs2465350569, ClinGen allele CA345971309.

ClinVar aggregate classification (germline): Uncertain significance (1 of 4 stars; one submission).

Submission:

Quest Diagnostics Nichols Institute San Juan Capistrano
Classification: Uncertain significance. Last evaluated: 2023-03-29. Review status: criteria provided, single submitter. Criteria: Quest Diagnostics criteria. Collection method: clinical testing. Allele origin: unknown.
Comment: This variant has not been reported in the published literature. It also has not been reported in large, multi-ethnic general populations. Analysis of this variant using bioinformatics tools for the prediction of the effect of amino acid changes on protein structure and function yielded predictions that this variant is benign. Based on the available information, we are unable to determine the clinical significance of this variant.